The following is an entry in ClinVar:

NM_001394966.1(NEK10):c.2823C>T (p.Ser941=)

Gene: NEK10 (NIMA related kinase 10; minus strand). Cytogenetic location: 3p24.1.
Variant type: single nucleotide variant.
Coding change: c.2823C>T on transcript NM_001394966.1 (MANE Select); coding-DNA position 2823, C replaced by T.
Protein change: p.Ser941=; no amino-acid change (serine 941 retained).
Molecular consequence: synonymous variant.
Genome position (GRCh38, 1-based): chr3:27,171,827, G>A on the plus strand (C>T on the coding strand, the complement: NEK10 is on the minus strand). VCF-style: chr3-27171827-G-A. GRCh37 (hg19) VCF-style: chr3-27213318-G-A.
Other names: c.759C>T, p.Ser253= (NM_001031741.5, NM_001304384.3); c.2823C>T, p.Ser941= (NM_001394963.1, NM_001394965.1, NM_001394970.1 and 2 more transcripts); c.2736C>T, p.Ser912= (NM_001394964.1, NM_001394967.1); c.2706C>T, p.Ser902= (NM_001394968.1); c.2535C>T, p.Ser845= (NM_001394969.1).
Identifiers: ClinVar variation 3389299 (VCV003389299.14).

ClinVar aggregate classification (germline): Likely benign (1 of 4 stars; one submission).

gnomAD v4.1: 247 of 1,613,502 alleles (0.015%); highest among the groups gnomAD compares: African/African-American, 0.3%; 1 homozygote.

Submission:

CeGaT Center for Human Genetics Tuebingen
Classification: Likely benign. Last evaluated: 2024-10-01. Review status: criteria provided, single submitter. Criteria: CeGaT Center For Human Genetics Tuebingen Variant Classification Criteria Version 2. Collection method: clinical testing. Allele origin: germline. Affected: yes. Observed: 1 variant allele.
Comment: NEK10: BP4, BP7